The following is an entry in ClinVar:

NM_020745.4(AARS2):c.2392C>T (p.Gln798Ter)

Gene: AARS2 (alanyl-tRNA synthetase 2, mitochondrial; minus strand). Cytogenetic location: 6p21.1.
Variant type: single nucleotide variant.
Coding change: c.2392C>T on transcript NM_020745.4 (MANE Select); coding-DNA position 2392, C replaced by T.
Protein change: p.Gln798Ter; replaces glutamine 798 with a stop codon.
Molecular consequence: nonsense.
Genome position (GRCh38, 1-based): chr6:44,302,486, G>A on the plus strand (C>T on the coding strand, the complement: AARS2 is on the minus strand). VCF-style: chr6-44302486-G-A. GRCh37 (hg19) VCF-style: chr6-44270223-G-A.
Other names: short protein forms Q798*.
Identifiers: ClinVar variation 523835 (VCV000523835.6), dbSNP rs751187394, ClinGen allele CA3833995.

ClinVar aggregate classification (germline): Likely pathogenic. Review status: criteria provided, multiple submitters, no conflicts (2 of 4 stars). 2 submissions from 2 submitters: Likely pathogenic (2). Last evaluated 2024-03-26.

Conditions:
AARS2-related disorder. Also called: AARS2-related disorders; AARS2-related condition. Identifiers: MedGen CN381518, MONDO:1060240.

Allele frequency attached by ClinVar (database versions not stated): TOPMed below 0.00001; ExAC 0.00001; gnomAD 0.00001; gnomAD exomes 0.00001 and 0.00002.
gnomAD v4.1: 32 of 1,614,036 alleles (0.002%); highest among the groups gnomAD compares: Non-Finnish European, 0.0027%; no homozygotes.

Submissions (2):

GeneDx
Classification: Likely pathogenic. Last evaluated: 2024-03-26. Review status: criteria provided, single submitter. Criteria: GeneDx Variant Classification Process June 2021. Collection method: clinical testing. Allele origin: germline. Affected: yes.
Comment: Nonsense variant predicted to result in protein truncation or nonsense mediated decay in a gene for which loss of function is a known mechanism of disease; Not observed at significant frequency in large population cohorts (gnomAD); Has not been previously published as pathogenic or benign to our knowledge

Blueprint Genetics
Classification: Likely pathogenic for AARS2-related disorders. Last evaluated: 2020-03-19. Review status: criteria provided, single submitter. Criteria: ACMG Guidelines, 2015. Collection method: clinical testing. Allele origin: germline. Affected: yes. Observed: 1 variant allele.